The following is an entry in ClinVar:

NM_018417.6(ADCY10):c.2863C>A (p.Arg955Ser)

Gene: ADCY10 (adenylate cyclase 10; minus strand). Cytogenetic location: 1q24.2.
Variant type: single nucleotide variant.
Coding change: c.2863C>A on transcript NM_018417.6 (MANE Select); coding-DNA position 2863, C replaced by A.
Protein change: p.Arg955Ser; replaces arginine 955 with serine.
Molecular consequence: missense variant.
Genome position (GRCh38, 1-based): chr1:167,845,707, G>T on the plus strand (C>A on the coding strand, the complement: ADCY10 is on the minus strand). VCF-style: chr1-167845707-G-T. GRCh37 (hg19) VCF-style: chr1-167814945-G-T.
Other names: c.2404C>A, p.Arg802Ser (NM_001167749.3); c.2587C>A, p.Arg863Ser (NM_001297772.2); short protein forms R802S, R863S, R955S.
Identifiers: ClinVar variation 2989020 (VCV002989020.3), dbSNP rs1388091820, ClinGen allele CA343080690.

ClinVar aggregate classification (germline): Uncertain significance (1 of 4 stars; one submission).

Allele frequency attached by ClinVar (database versions not stated): TOPMed below 0.00001; gnomAD 0.00001.
gnomAD v4.1: 2 of 1,614,080 alleles (0.00012%); highest among the groups gnomAD compares: Admixed American, 0.0017%; no homozygotes.

Submission:

Labcorp Genetics (formerly Invitae), Labcorp
Classification: Uncertain significance. Last evaluated: 2022-12-14. Review status: criteria provided, single submitter. Criteria: Invitae Variant Classification Sherloc (09022015). Collection method: clinical testing. Allele origin: germline.
Comment: This sequence change replaces arginine, which is basic and polar, with serine, which is neutral and polar, at codon 955 of the ADCY10 protein (p.Arg955Ser). This variant is present in population databases (no rsID available, gnomAD 0.007%). This variant has not been reported in the literature in individuals affected with ADCY10-related conditions. Algorithms developed to predict the effect of missense changes on protein structure and function (SIFT, PolyPhen-2, Align-GVGD) all suggest that this variant is likely to be tolerated. In summary, the available evidence is currently insufficient to determine the role of this variant in disease. Therefore, it has been classified as a Variant of Uncertain Significance.